The following is an entry in ClinVar:

ClinVar aggregate classification (germline): Uncertain significance (1 of 4 stars; one submission).

Allele frequency attached by ClinVar (database versions not stated): ExAC 0.00001.

Submission:

Labcorp Genetics (formerly Invitae), Labcorp
Classification: Uncertain significance. Last evaluated: 2023-07-23. Review status: criteria provided, single submitter. Criteria: Invitae Variant Classification Sherloc (09022015). Collection method: clinical testing. Allele origin: germline.
Comment: In summary, the available evidence is currently insufficient to determine the role of this variant in disease. Therefore, it has been classified as a Variant of Uncertain Significance. An algorithm developed to predict the effect of missense changes on protein structure and function (PolyPhen-2) suggests that this variant is likely to be tolerated. This variant has not been reported in the literature in individuals affected with DSCAML1-related conditions. This variant is present in population databases (rs781329576, gnomAD 0.0009%). This sequence change replaces lysine, which is basic and polar, with arginine, which is basic and polar, at codon 1580 of the DSCAML1 protein (p.Lys1580Arg).

NM_020693.4(DSCAML1):c.4559A>G (p.Lys1520Arg)

Gene: DSCAML1 (DS cell adhesion molecule like 1; minus strand). Cytogenetic location: 11q23.3.
Variant type: single nucleotide variant.
Coding change: c.4559A>G on transcript NM_020693.4 (MANE Select); coding-DNA position 4559, A replaced by G.
Protein change: p.Lys1520Arg; replaces lysine 1520 with arginine.
Molecular consequence: missense variant.
Genome position (GRCh38, 1-based): chr11:117,437,283, T>C on the plus strand (A>G on the coding strand, the complement: DSCAML1 is on the minus strand). VCF-style: chr11-117437283-T-C. GRCh37 (hg19) VCF-style: chr11-117307999-T-C.
Other names: short protein forms K1520R.
Identifiers: ClinVar variation 2744130 (VCV002744130.3), dbSNP rs781329576, ClinGen allele CA6296337.